The following is an entry in ClinVar:

ClinVar aggregate classification (germline): Pathogenic (1 of 4 stars; one submission).

Conditions:
Familial adenomatous polyposis 1 (FAP1). Also called: FAMILIAL ADENOMATOUS POLYPOSIS 1, ATTENUATED; POLYPOSIS, ADENOMATOUS INTESTINAL. Identifiers: MedGen C2713442, MONDO:0021056, OMIM 175100. Disease mechanism: loss of function.

Submission:

Labcorp Genetics (formerly Invitae), Labcorp
Classification: Pathogenic for Familial adenomatous polyposis 1. Last evaluated: 2025-01-21. Review status: criteria provided, single submitter. Criteria: Invitae Variant Classification Sherloc (09022015). Collection method: clinical testing. Allele origin: germline.
Comment: This sequence change creates a premature translational stop signal (p.Val547Glufs*11) in the APC gene. It is expected to result in an absent or disrupted protein product. Loss-of-function variants in APC are known to be pathogenic (PMID: 17963004, 20685668). This variant is not present in population databases (gnomAD no frequency). This variant has not been reported in the literature in individuals affected with APC-related conditions. For these reasons, this variant has been classified as Pathogenic.

Literature cited by the submitters: PubMed 17963004; PubMed 20685668.

NM_000038.6(APC):c.1640_1644del (p.Val547fs)

Gene: APC (APC regulator of Wnt signaling pathway; plus strand). Cytogenetic location: 5q22.2.
Variant type: Deletion.
Coding change: c.1640_1644del on transcript NM_000038.6 (MANE Select); coding-DNA positions 1640 to 1644, 5 bases deleted (TTTTG; older notation c.1640_1644delTTTTG).
Protein change: p.Val547fs; shifts the reading frame from valine 547.
Molecular consequence: frameshift variant.
Genome position (GRCh38, 1-based): chr5:112,828,869-112,828,873, TTTTG deleted; deleting any 5 consecutive bases within chr5:112,828,867-112,828,873 gives the same sequence; the c. name uses the placement nearest the transcript's 3' end. VCF-style (leftmost placement, unchanged base first): chr5-112828866-GTGTTT-G. GRCh37 (hg19) VCF-style: chr5-112164563-GTGTTT-G.
Other names: c.1556_1560del, p.Val519fs (NM_001354899.2); c.1694_1698del, p.Val565fs (NM_001354896.2, NM_001407447.1, NM_001407448.1 and 1 more transcripts); c.1640_1644del, p.Val547fs (NM_001354895.2, NM_001127510.3, NM_001407450.1); c.1565_1569del, p.Val522fs (NM_001354898.2); c.1670_1674del, p.Val557fs (NM_001354897.2); c.1586_1590del, p.Val529fs (NM_001127511.3); c.1463_1467del, p.Val488fs (NM_001354901.2, NM_001407453.1); c.791_795del, p.Val264fs (NM_001354906.2, NM_001407470.1); and 11 more; short protein forms V163fs, V446fs, V522fs, V547fs, V537fs, V540fs, V565fs, V418fs.
Identifiers: ClinVar variation 3729281 (VCV003729281.2).
Genomic context (GRCh38, chr5:112,828,866, plus strand): 5'-AACTAGTATGATTTTATGTATAAATTAATCTAAAATTGATTAATTTGCAGGTTATTGCGA[GTGTTT>G]TGAGGAATTTGTCTTGGCGAGCAGATGTAAATAGTAAAAAGACGTTGCGAGAAGTTGGAA-3'